The following is an entry in ClinVar:

ClinVar aggregate classification (germline): Uncertain significance. Review status: criteria provided, multiple submitters, no conflicts (2 of 4 stars). 2 submissions from 2 submitters: Uncertain significance (2). Last evaluated 2026-02-02.

Conditions:
Inborn genetic diseases. Identifiers: MedGen C0950123, MeSH D030342.
Progressive myoclonic epilepsy. Also called: Myoclonic Epilepsies, Progressive; Familial progressive myoclonic epilepsy; Myoclonus epilepsy; Progressive myoclonus epilepsy. Identifiers: Orphanet 308, Orphanet 98261, MedGen C0751778, MONDO:0020074.

gnomAD v4.1: 1 of 1,613,588 alleles (0.000062%); highest among the groups gnomAD compares: Non-Finnish European, 0.000085%; no homozygotes.

Submissions (2):

Labcorp Genetics (formerly Invitae), Labcorp
Classification: Uncertain significance for Progressive myoclonic epilepsy. Last evaluated: 2026-02-02. Review status: criteria provided, single submitter. Criteria: Invitae Variant Classification Sherloc (09022015). Collection method: clinical testing. Allele origin: germline.
Comment: This sequence change replaces phenylalanine, which is neutral and non-polar, with isoleucine, which is neutral and non-polar, at codon 151 of the SCARB2 protein (p.Phe151Ile). This variant is not present in population databases (gnomAD no frequency). This variant has not been reported in the literature in individuals affected with SCARB2-related conditions. ClinVar contains an entry for this variant (Variation ID: 1460755). Invitae Evidence Modeling of protein sequence and biophysical properties (such as structural, functional, and spatial information, amino acid conservation, physicochemical variation, residue mobility, and thermodynamic stability) indicates that this missense variant is not expected to disrupt SCARB2 protein function with a negative predictive value of 80%. In summary, the available evidence is currently insufficient to determine the role of this variant in disease. Therefore, it has been classified as a Variant of Uncertain Significance.

Ambry Genetics
Classification: Uncertain significance for Inborn genetic diseases. Last evaluated: 2023-12-21. Review status: criteria provided, single submitter. Criteria: Ambry Variant Classification Scheme 2023. Collection method: clinical testing. Allele origin: germline.

NM_005506.4(SCARB2):c.451T>A (p.Phe151Ile)

Gene: SCARB2 (scavenger receptor class B member 2; minus strand). Cytogenetic location: 4q21.1.
Variant type: single nucleotide variant.
Coding change: c.451T>A on transcript NM_005506.4 (MANE Select); coding-DNA position 451, T replaced by A.
Protein change: p.Phe151Ile; replaces phenylalanine 151 with isoleucine.
Molecular consequence: missense variant. On other transcripts: intron variant (1).
Genome position (GRCh38, 1-based): chr4:76,179,678, A>T on the plus strand (T>A on the coding strand, the complement: SCARB2 is on the minus strand). VCF-style: chr4-76179678-A-T. GRCh37 (hg19) VCF-style: chr4-77100831-A-T.
Other names: c.451T>A (NM_005506.3); c.276-3768T>A (NM_001204255.2); short protein forms F151I.
Identifiers: ClinVar variation 1460755 (VCV001460755.9), dbSNP rs1732338247, ClinGen allele CA357327007.
Genomic context (GRCh38, chr4:76,179,678, plus strand): 5'-GAGTCACAAAGAGCTTCTGCTGATAGGCTTTCAACATGGCCTCGATGATCTCCCTGAGGA[A>T]GTGCACCTGGGACCACTCTATGACAGTCTGCGGAGCAGAGGTATATTAAGACAGCAGCAT-3'
Protein context (NP_005497.1, residues 141-161): LTVIEWSQVH[Phe151Ile]LREIIEAMLK